The following is an entry in ClinVar:

ClinVar aggregate classification (germline): Uncertain significance (1 of 4 stars; one submission).

Conditions:
Charcot-Marie-Tooth disease axonal type 2S. Also called: CHARCOT-MARIE-TOOTH NEUROPATHY, TYPE 2S; CHARCOT-MARIE-TOOTH DISEASE, AXONAL, AUTOSOMAL RECESSIVE, TYPE 2S. Identifiers: Orphanet 443073, MedGen C4015349, MONDO:0014511, OMIM 616155.
Autosomal recessive distal spinal muscular atrophy 1. Also called: HMN VI; NEURONOPATHY, SEVERE INFANTILE AXONAL, WITH RESPIRATORY FAILURE; NEURONOPATHY, DISTAL HEREDITARY MOTOR, HARDING TYPE VI; NEUROPATHY, DISTAL HEREDITARY MOTOR, AUTOSOMAL RECESSIVE 1; SEVERE INFANTILE AXONAL NEUROPATHY WITH RESPIRATORY FAILURE; SPINAL MUSCULAR ATROPHY, DIAPHRAGMATIC. Identifiers: Orphanet 98920, MedGen C1858517, MONDO:0011436, OMIM 604320.

Submission:

Labcorp Genetics (formerly Invitae), Labcorp
Classification: Uncertain significance for Autosomal recessive distal spinal muscular atrophy 1; Charcot-Marie-Tooth disease axonal type 2S. Last evaluated: 2021-09-24. Review status: criteria provided, single submitter. Criteria: Invitae Variant Classification Sherloc (09022015). Collection method: clinical testing. Allele origin: germline.
Comment: This sequence change replaces serine with asparagine at codon 954 of the IGHMBP2 protein (p.Ser954Asn). The serine residue is moderately conserved and there is a small physicochemical difference between serine and asparagine. This variant is not present in population databases (ExAC no frequency). This variant has not been reported in the literature in individuals with IGHMBP2-related conditions. Algorithms developed to predict the effect of missense changes on protein structure and function are either unavailable or do not agree on the potential impact of this missense change (SIFT: "Deleterious"; PolyPhen-2: "Possibly Damaging"; Align-GVGD: "Class C0"). In summary, the available evidence is currently insufficient to determine the role of this variant in disease. Therefore, it has been classified as a Variant of Uncertain Significance.

NM_002180.3(IGHMBP2):c.2861G>A (p.Ser954Asn)

Gene: IGHMBP2 (immunoglobulin mu DNA binding protein 2; plus strand). Cytogenetic location: 11q13.3.
Variant type: single nucleotide variant.
Coding change: c.2861G>A on transcript NM_002180.3 (MANE Select); coding-DNA position 2861, G replaced by A.
Protein change: p.Ser954Asn; replaces serine 954 with asparagine.
Molecular consequence: missense variant.
Genome position (GRCh38, 1-based): chr11:68,939,610, G>A. VCF-style: chr11-68939610-G-A. GRCh37 (hg19) VCF-style: chr11-68707078-G-A.
Other names: short protein forms S954N.
Identifiers: ClinVar variation 1352313 (VCV001352313.5), dbSNP rs2154009288, ClinGen allele CA381654934.